The following is an entry in ClinVar:

NM_001081.4(CUBN):c.8860C>G (p.Pro2954Ala)

Gene: CUBN (cubilin; minus strand). Cytogenetic location: 10p13.
Variant type: single nucleotide variant.
Coding change: c.8860C>G on transcript NM_001081.4 (MANE Select); coding-DNA position 8860, C replaced by G.
Protein change: p.Pro2954Ala; replaces proline 2954 with alanine.
Molecular consequence: missense variant.
Genome position (GRCh38, 1-based): chr10:16,888,462, G>C on the plus strand (C>G on the coding strand, the complement: CUBN is on the minus strand). VCF-style: chr10-16888462-G-C. GRCh37 (hg19) VCF-style: chr10-16930461-G-C.
Other names: short protein forms P2954A.
Identifiers: ClinVar variation 2044878 (VCV002044878.4), dbSNP rs139931862, ClinGen allele CA5422891.
Genomic context (GRCh38, chr10:16,888,462, plus strand): 5'-AAAGAATAAACTTACCTTCTAAGTGGAAGGACACAAAAGTCAAGAGGACCACTGACAGAG[G>C]ATTAGCCTCTATGACATAGGTGCAATTCATGTTGTTGTCATATTGTTTTGGGTAATTTGG-3'
Protein context (NP_001072.2, residues 2944-2964): MNCTYVIEAN[Pro2954Ala]LSVVLLTFVS

ClinVar aggregate classification (germline): Uncertain significance. Review status: criteria provided, multiple submitters, no conflicts (2 of 4 stars). 3 submissions from 3 submitters: Uncertain significance (3). Last evaluated 2025-08-23.

Conditions:
Imerslund-Grasbeck syndrome type 1 (IGS1). Also called: Imerslund-Gräsbeck syndrome 1; Megaloblastic anemia 1, Finnish type; MEGALOBLASTIC ANEMIA, 1. Identifiers: MedGen C4016819, MONDO:0100156, OMIM 261100.
Proteinuria, chronic benign. Identifiers: MedGen C5394384, MONDO:0030042, OMIM 618884.
Inborn genetic diseases. Identifiers: MedGen C0950123, MeSH D030342.
Imerslund-Grasbeck syndrome. Also called: ENTEROCYTE COBALAMIN MALABSORPTION; ENTEROCYTE INTRINSIC FACTOR RECEPTOR, DEFECT OF; PERNICIOUS ANEMIA, JUVENILE, DUE TO SELECTIVE INTESTINAL MALABSORPTION OF VITAMIN B12, WITH PROTEINURIA; Imerslund-Gräsbeck syndrome; Megaloblastic anemia due to inborn errors of metabolism. Identifiers: Orphanet 35858, MedGen C4551825, MONDO:0009853.

Allele frequency attached by ClinVar (database versions not stated): gnomAD exomes 0.00001; gnomAD 0.00002; TOPMed 0.00002; ExAC 0.00004; ESP Exome Variant Server 0.00008.
gnomAD v4.1: 17 of 1,613,138 alleles (0.0011%); highest among the groups gnomAD compares: Middle Eastern, 0.016%; no homozygotes.

Submissions (3):

Ambry Genetics
Classification: Uncertain significance for Inborn genetic diseases. Last evaluated: 2025-08-23. Review status: criteria provided, single submitter. Criteria: Ambry Variant Classification Scheme 2023. Collection method: clinical testing. Allele origin: germline.

Fulgent Genetics
Classification: Uncertain significance for Imerslund-Grasbeck syndrome type 1; Proteinuria, chronic benign. Last evaluated: 2024-05-30. Review status: criteria provided, single submitter. Criteria: ACMG Guidelines, 2015. Collection method: clinical testing. Allele origin: germline.

Labcorp Genetics (formerly Invitae), Labcorp
Classification: Uncertain significance for Imerslund-Grasbeck syndrome. Last evaluated: 2022-02-20. Review status: criteria provided, single submitter. Criteria: Invitae Variant Classification Sherloc (09022015). Collection method: clinical testing. Allele origin: germline.
Comment: This sequence change replaces proline, which is neutral and non-polar, with alanine, which is neutral and non-polar, at codon 2954 of the CUBN protein (p.Pro2954Ala). In summary, the available evidence is currently insufficient to determine the role of this variant in disease. Therefore, it has been classified as a Variant of Uncertain Significance. Algorithms developed to predict the effect of missense changes on protein structure and function (SIFT, PolyPhen-2, Align-GVGD) all suggest that this variant is likely to be tolerated. This variant has not been reported in the literature in individuals affected with CUBN-related conditions. This variant is present in population databases (rs139931862, gnomAD 0.004%).